The following is an entry in ClinVar:

ClinVar aggregate classification (germline): Uncertain significance (1 of 4 stars; one submission).

Conditions:
Familial sleep-related hypermotor epilepsy. Also called: Autosomal Dominant Sleep-Related Hypermotor (Hyperkinetic) Epilepsy. Identifiers: Orphanet 98784, MedGen C3696898, MONDO:0000030.

Allele frequency attached by ClinVar (database versions not stated): gnomAD 0.00001; gnomAD exomes 0.00001.
gnomAD v4.1: 6 of 1,613,830 alleles (0.00037%); highest among the groups gnomAD compares: African/African-American, 0.004%; no homozygotes.

Submission:

Labcorp Genetics (formerly Invitae), Labcorp
Classification: Uncertain significance. Last evaluated: 2023-08-30. Review status: criteria provided, single submitter. Criteria: Invitae Variant Classification Sherloc (09022015). Collection method: clinical testing. Allele origin: germline.
Comment: This variant is present in population databases (no rsID available, gnomAD 0.0009%). This sequence change replaces glutamic acid, which is acidic and polar, with lysine, which is basic and polar, at codon 250 of the CHRNA2 protein (p.Glu250Lys). Advanced modeling of protein sequence and biophysical properties (such as structural, functional, and spatial information, amino acid conservation, physicochemical variation, residue mobility, and thermodynamic stability) has been performed at Invitae for this missense variant, however the output from this modeling did not meet the statistical confidence thresholds required to predict the impact of this variant on CHRNA2 protein function. ClinVar contains an entry for this variant (Variation ID: 1429032). This variant has not been reported in the literature in individuals affected with CHRNA2-related conditions. In summary, the available evidence is currently insufficient to determine the role of this variant in disease. Therefore, it has been classified as a Variant of Uncertain Significance.

NM_000742.4(CHRNA2):c.748G>A (p.Glu250Lys)

Gene: CHRNA2 (cholinergic receptor nicotinic alpha 2 subunit; minus strand). Cytogenetic location: 8p21.2.
Variant type: single nucleotide variant.
Coding change: c.748G>A on transcript NM_000742.4 (MANE Select); coding-DNA position 748, G replaced by A.
Protein change: p.Glu250Lys; replaces glutamic acid 250 with lysine.
Molecular consequence: missense variant.
Genome position (GRCh38, 1-based): chr8:27,463,695, C>T on the plus strand (G>A on the coding strand, the complement: CHRNA2 is on the minus strand). VCF-style: chr8-27463695-C-T. GRCh37 (hg19) VCF-style: chr8-27321212-C-T.
Other names: c.703G>A, p.Glu235Lys (NM_001282455.2); c.271G>A, p.Glu91Lys (NM_001347705.2, NM_001347706.2); c.154G>A, p.Glu52Lys (NM_001347707.2, NM_001347708.2); short protein forms E235K, E250K, E91K, E52K.
Identifiers: ClinVar variation 1429032 (VCV001429032.6), dbSNP rs1262745996, ClinGen allele CA370810843.